The following is an entry in ClinVar:

ClinVar aggregate classification (germline): Conflicting classifications of pathogenicity. Review status: criteria provided, conflicting classifications (1 of 4 stars). 15 submissions from 11 submitters: Uncertain significance (3); Benign (7); Likely benign (3). 2 of the submissions do not count toward it. Last evaluated 2026-01-26.

Conditions:
Autosomal recessive limb-girdle muscular dystrophy type 2J (LGMDR10). Also called: Limb-girdle muscular dystrophy, type 2J; MUSCULAR DYSTROPHY, LIMB-GIRDLE, AUTOSOMAL RECESSIVE 10. Identifiers: Orphanet 140922, MedGen C1837342, MONDO:0012127, OMIM 608807.
Dilated cardiomyopathy 1G (CMD1G). Identifiers: Orphanet 154, MedGen C1858763, MONDO:0011400, OMIM 604145.
Early-onset myopathy with fatal cardiomyopathy (CMYO5). Also called: Salih Myopathy; CONGENITAL MYOPATHY 5 WITH CARDIOMYOPATHY. Identifiers: Orphanet 289377, MedGen C2673677, MONDO:0012714, OMIM 611705. Disease mechanism: loss of function.
Myopathy, myofibrillar, 9, with early respiratory failure (MFM9). Also called: Hereditary myopathy with early respiratory failure; EDSTROM MYOPATHY; MYOPATHY, PROXIMAL, WITH EARLY RESPIRATORY MUSCLE INVOLVEMENT; Myopathy, distal, with early respiratory failure, autosomal dominant. Identifiers: Orphanet 178464, Orphanet 34521, MedGen C1863599, MONDO:0011362, OMIM 603689.
Tibial muscular dystrophy (TMD). Also called: UDD MYOPATHY; Udd Distal Myopathy – Tibial Muscular Dystrophy; Tibial muscular dystrophy, tardive. Identifiers: Orphanet 609, MedGen C1838244, MONDO:0010870, OMIM 600334.

Allele frequency attached by ClinVar (database versions not stated): 1000 Genomes Project 30x 0.00047; ESP Exome Variant Server 0.00050; 1000 Genomes Project 0.00060; TOPMed 0.00071; gnomAD 0.00072 and 0.00078.
gnomAD v4.1: 208 of 1,607,964 alleles (0.013%); highest among the groups gnomAD compares: African/African-American, 0.24%; no homozygotes.

Submissions (15):

Labcorp Genetics (formerly Invitae), Labcorp
Classification: Benign for Dilated cardiomyopathy 1G; Autosomal recessive limb-girdle muscular dystrophy type 2J. Last evaluated: 2026-01-26. Review status: criteria provided, single submitter. Criteria: Invitae Variant Classification Sherloc (09022015). Collection method: clinical testing. Allele origin: germline.

Athena Diagnostics
Classification: Benign. Last evaluated: 2025-06-02. Review status: criteria provided, single submitter. Criteria: Athena Diagnostics Criteria. Collection method: clinical testing. Allele origin: unknown.
Comment: The frequency of this variant in the general population is higher than would generally be expected for pathogenic variants in this gene. Computational tools yielded predictions that this variant is unlikely to have an effect on normal RNA splicing. This nucleotide position exhibits low evolutionary conservation.

Molecular Diagnostic Laboratory for Inherited Cardiovascular Disease, Montreal Heart Institute
Classification: Benign. Last evaluated: 2025-04-09. Review status: criteria provided, single submitter. Criteria: ACMG Guidelines, 2015. Collection method: clinical testing. Allele origin: germline. Affected: no.

Blueprint Genetics
Classification: Likely benign. Last evaluated: 2024-03-09. Review status: criteria provided, single submitter. Criteria: ACMG Guidelines, 2015. Collection method: clinical testing. Allele origin: germline.

Women's Health and Genetics/Laboratory Corporation of America, LabCorp
Classification: Benign. Last evaluated: 2022-08-16. Review status: criteria provided, single submitter. Criteria: LabCorp Variant Classification Summary - May 2015. Collection method: clinical testing. Allele origin: germline.
Comment: Variant summary: TTN c.90979+7G>C alters a non-conserved nucleotide located close to a canonical splice site and therefore could affect mRNA splicing, leading to a significantly altered protein sequence. 4/4 computational tools predict no significant impact on normal splicing. However, these predictions have yet to be confirmed by functional studies. The variant allele was found at a frequency of 0.00019 in 247374 control chromosomes, predominantly at a frequency of 0.0027 within the African or African-American subpopulation in the gnomAD database. The observed variant frequency within African or African-American control individuals in the gnomAD database is approximately 7 fold of the estimated maximal expected allele frequency for a pathogenic variant in TTN causing Dilated Cardiomyopathy phenotype (0.00039), strongly suggesting that the variant is a benign polymorphism found primarily in populations of African or African-American origin. c.90979+7G>C has been reported in the literature in at-least one individual who had a Pan Cardiomyopathy Panel test and authors classified this variant likely benign (Pugh_2014). This report does not provide unequivocal conclusions about association of the variant with Dilated Cardiomyopathy. To our knowledge, no experimental evidence demonstrating an impact on protein function has been reported. Four clinical diagnostic laboratories have submitted clinical-significance assessments for this variant to ClinVar after 2014 and classified the variant as benign (n=3) and likely benign (n=1). Based on the evidence outlined above, the variant was classified as benign.

Illumina Laboratory Services, Illumina
Classification: Uncertain significance for Dilated cardiomyopathy 1G. Last evaluated: 2018-01-13. Review status: criteria provided, single submitter. Criteria: ICSL Variant Classification Criteria 13 December 2019. Collection method: clinical testing. Allele origin: germline.

Illumina Laboratory Services, Illumina
Classification: Benign for Myopathy, myofibrillar, 9, with early respiratory failure. Last evaluated: 2018-01-13. Review status: criteria provided, single submitter. Criteria: ICSL Variant Classification Criteria 13 December 2019. Collection method: clinical testing. Allele origin: germline.
Comment: This variant was observed in the ICSL laboratory as part of a predisposition screen in an ostensibly healthy population. It had not been previously curated by ICSL or reported in the Human Gene Mutation Database (HGMD: prior to June 1st, 2018), and was therefore a candidate for classification through an automated scoring system. Utilizing variant allele frequency, disease prevalence and penetrance estimates, and inheritance mode, an automated score was calculated to assess if this variant is too frequent to cause the disease. Based on the score and internal cut-off values, a variant classified as benign is not then subjected to further curation. The score for this variant resulted in a classification of benign for this disease.

Illumina Laboratory Services, Illumina
Classification: Benign for Tibial muscular dystrophy. Last evaluated: 2018-01-13. Review status: criteria provided, single submitter. Criteria: ICSL Variant Classification Criteria 13 December 2019. Collection method: clinical testing. Allele origin: germline.
Comment: the same text as in the submission from Illumina Laboratory Services, Illumina above.

Illumina Laboratory Services, Illumina
Classification: Uncertain significance for Early-onset myopathy with fatal cardiomyopathy. Last evaluated: 2018-01-13. Review status: criteria provided, single submitter. Criteria: ICSL Variant Classification Criteria 13 December 2019. Collection method: clinical testing. Allele origin: germline.

Illumina Laboratory Services, Illumina
Classification: Uncertain significance for Autosomal recessive limb-girdle muscular dystrophy type 2J. Last evaluated: 2018-01-13. Review status: criteria provided, single submitter. Criteria: ICSL Variant Classification Criteria 13 December 2019. Collection method: clinical testing. Allele origin: germline.

Eurofins Ntd Llc (ga)
Classification: Likely benign. Last evaluated: 2016-12-08. Review status: criteria provided, single submitter. Criteria: EGL Classification Definitions 2015. Collection method: clinical testing. Allele origin: germline. Observed: 3 variant alleles, 3 heterozygotes.

GeneDx
Classification: Benign. Last evaluated: 2015-03-03. Review status: criteria provided, single submitter. Criteria: GeneDx Variant Classification Process June 2021. Collection method: clinical testing. Allele origin: germline. Affected: yes.

Laboratory for Molecular Medicine, Mass General Brigham Personalized Medicine
Classification: Likely benign. Last evaluated: 2012-04-25. Review status: criteria provided, single submitter. Criteria: LMM Criteria. Collection method: clinical testing. Allele origin: germline. Observed: 2 variant alleles.
Comment: 90979+7G>C in Intron 301 of TTN: This variant is not expected to have clinical s ignificance because it is not located within the splice consensus sequence. It h as been identified in 0.2% (7/3014) of African American chromosomes from a broad population by the NHLBI Exome Sequencing Project (EVS; dbSNP rs141150066). 90979+7G>C in Intron 301 of TTN (allele frequency = 0. 2%, 7/3014; dbSNP rs141150066) **

Clinical Genetics DNA and cytogenetics Diagnostics Lab, Erasmus MC, Erasmus Medical Center
Classification: Likely benign. Review status: no assertion criteria provided. Collection method: clinical testing. Allele origin: germline. Affected: yes. Study: VKGL Data-share Consensus. Not counted in ClinVar's aggregate classification.

Diagnostic Laboratory, Department of Genetics, University Medical Center Groningen
Classification: Likely benign. Review status: no assertion criteria provided. Collection method: clinical testing. Allele origin: germline. Affected: yes. Study: VKGL Data-share Consensus. Not counted in ClinVar's aggregate classification.

Literature cited by the submitters: PubMed 24503780 (cited by Women's Health and Genetics/Laboratory Corporation of America, LabCorp).

NM_001267550.2(TTN):c.98683+7G>C

Genes: TTN-AS1 (TTN antisense RNA 1; plus strand), TTN (titin; minus strand). Cytogenetic location: 2q31.2.
Variant type: single nucleotide variant.
Coding change: c.98683+7G>C on transcript NM_001267550.2 (MANE Select); 7 bases into the intron after coding-DNA position 98683, G replaced by C.
Molecular consequence: intron variant. On other transcripts: non-coding transcript variant (1).
Genome position (GRCh38, 1-based): chr2:178,539,375, C>G on the plus strand (G>C on the coding strand, the complement: TTN is on the minus strand). VCF-style: chr2-178539375-C-G. GRCh37 (hg19) VCF-style: chr2-179404102-C-G.
Other names: c.98683+7G>C (NM_001267550.1); c.71488+7G>C (NM_003319.4); c.72064+7G>C (NM_133437.4); c.71863+7G>C (NM_133432.3); c.90979+7G>C (NM_133378.4); c.93760+7G>C (NM_001256850.1).
Identifiers: ClinVar variation 47605 (VCV000047605.34), dbSNP rs141150066, ClinGen allele CA141487.